The following is an entry in ClinVar:

ClinVar aggregate classification (germline): Uncertain significance (1 of 4 stars; one submission).

gnomAD v4.1: 11 of 1,605,882 alleles (0.00068%); highest among the groups gnomAD compares: Middle Eastern, 0.017%; no homozygotes.

Submission:

Labcorp Genetics (formerly Invitae), Labcorp
Classification: Uncertain significance. Last evaluated: 2025-06-29. Review status: criteria provided, single submitter. Criteria: Invitae Variant Classification Sherloc (09022015). Collection method: clinical testing. Allele origin: germline.
Comment: This sequence change replaces proline, which is neutral and non-polar, with histidine, which is basic and polar, at codon 372 of the PLEKHM2 protein (p.Pro372His). This variant is present in population databases (rs199741495, gnomAD 0.02%). This variant has not been reported in the literature in individuals affected with PLEKHM2-related conditions. An algorithm developed to predict the effect of missense changes on protein structure and function (PolyPhen-2) suggests that this variant is likely to be tolerated. In summary, the available evidence is currently insufficient to determine the role of this variant in disease. Therefore, it has been classified as a Variant of Uncertain Significance.

NM_015164.4(PLEKHM2):c.1115C>A (p.Pro372His)

Gene: PLEKHM2 (pleckstrin homology and RUN domain containing M2; plus strand). Cytogenetic location: 1p36.21.
Variant type: single nucleotide variant.
Coding change: c.1115C>A on transcript NM_015164.4 (MANE Select); coding-DNA position 1115, C replaced by A.
Protein change: p.Pro372His; replaces proline 372 with histidine.
Molecular consequence: missense variant.
Genome position (GRCh38, 1-based): chr1:15,727,187, C>A. VCF-style: chr1-15727187-C-A. GRCh37 (hg19) VCF-style: chr1-16053682-C-A.
Other names: c.1055C>A, p.Pro352His (NM_001410755.1); short protein forms P352H, P372H.
Identifiers: ClinVar variation 4812445 (VCV004812445.1).